The following is an entry in ClinVar:

ClinVar aggregate classification (germline): Conflicting classifications of pathogenicity. Review status: criteria provided, conflicting classifications (1 of 4 stars). 9 submissions from 9 submitters: Uncertain significance (7); Likely benign (2). Last evaluated 2026-03-04.

Conditions:
POLE-related disorder. Also called: POLE-related disorders; POLE-related condition.
Hereditary cancer-predisposing syndrome. Also called: Neoplastic Syndromes, Hereditary; Hereditary neoplastic syndrome; Hereditary Cancer Syndrome; Tumor predisposition. Identifiers: Orphanet 140162, MedGen C0027672, MeSH D009386, MONDO:0015356.
Colorectal cancer, susceptibility to, 12 (CRCS12). Also called: COLORECTAL CANCER, SUSCEPTIBILITY TO, ON CHROMOSOME 12q24. Identifiers: Orphanet 220460, MedGen C3554460, MONDO:0014038, OMIM 615083.

Allele frequency attached by ClinVar (database versions not stated): gnomAD exomes 0.00001 and 0.00005; ExAC 0.00009; 1000 Genomes Project 30x 0.00016; TOPMed 0.00018; 1000 Genomes Project 0.00020; gnomAD 0.00022.
gnomAD v4.1: 56 of 1,614,196 alleles (0.0035%); highest among the groups gnomAD compares: African/African-American, 0.06%; no homozygotes.

Submissions (9):

Myriad Genetics, Inc.
Classification: Likely benign for Colorectal cancer, susceptibility to, 12. Last evaluated: 2026-03-04. Review status: criteria provided, single submitter. Criteria: Myriad Autosomal Dominant, Autosomal Recessive and X-Linked Classification Criteria (2023). Collection method: clinical testing. Allele origin: unknown.
Comment: This variant is considered likely benign. This variant has been observed at a population frequency that is significantly greater than expected given the associated disease prevalence and penetrance.

St. Jude Molecular Pathology, St. Jude Children's Research Hospital
Classification: Uncertain significance for Colorectal cancer, susceptibility to, 12. Last evaluated: 2026-02-11. Review status: criteria provided, single submitter. Criteria: St. Jude Assertion Criteria 2020. Collection method: clinical testing. Allele origin: germline.
Comment: The POLE c.1184G>A p.(Gly395Glu) missense change has a maximum subpopulation frequency of 0.07% in gnomAD v2.1.1. The in silico tool REVEL is inconclusive about a pathogenic or benign effect of this variant on protein function, and to our knowledge functional studies have not been performed. To our knowledge, this variant has not been reported in the literature in individuals with POLE-related disease. In summary, the evidence currently available is insufficient to determine the clinical significance of this variant. It has therefore been classified as of uncertain significance.

Ambry Genetics
Classification: Uncertain significance for Hereditary cancer-predisposing syndrome. Last evaluated: 2026-01-08. Review status: criteria provided, single submitter. Criteria: Ambry Variant Classification Scheme 2023. Collection method: clinical testing. Allele origin: germline.
Comment: The p.G395E variant (also known as c.1184G>A), located in coding exon 12 of the POLE gene, results from a G to A substitution at nucleotide position 1184. The glycine at codon 395 is replaced by glutamic acid, an amino acid with similar properties. This alteration was identified in an individual diagnosed with colorectal cancer (Siraj AK et al. Mol Genet Genomic Med, 2020 08;8:e1368). This amino acid position is highly conserved in available vertebrate species. In addition, the in silico prediction for this alteration is inconclusive. Based on the available evidence, the clinical significance of this variant remains unclear.

PreventionGenetics, part of Exact Sciences
Classification: Uncertain significance for POLE-related condition. Last evaluated: 2025-09-15. Review status: criteria provided, single submitter. Criteria: ACMG Guidelines, 2015. Collection method: clinical testing. Allele origin: germline.
Comment: The POLE c.1184G>A variant is predicted to result in the amino acid substitution p.Gly395Glu. This variant has been reported in two individuals with colorectal cancer or breast cancer (Siraj et al. 2020. PubMed ID: 32567205; Table S3, de Oliveira et al. 2022. PubMed ID: 35534704). This variant is reported in 0.068% of alleles in individuals of African descent in gnomAD and has conflicting interpretations in ClinVar ranging from uncertain to likely benign (Variation ID: 246477). This variant resides in the exonuclease domain of the POLE protein (Palles et al. 2013. PubMed ID: 23263490; Mur et al. 2020. PubMed ID: 32792570). At this time, the clinical significance of this variant is uncertain due to the absence of conclusive functional and genetic evidence.

Quest Diagnostics Nichols Institute San Juan Capistrano
Classification: Likely benign. Last evaluated: 2025-08-16. Review status: criteria provided, single submitter. Criteria: Quest Diagnostics criteria. Collection method: clinical testing. Allele origin: unknown.

Labcorp Genetics (formerly Invitae), Labcorp
Classification: Uncertain significance. Last evaluated: 2025-01-23. Review status: criteria provided, single submitter. Criteria: Invitae Variant Classification Sherloc (09022015). Collection method: clinical testing. Allele origin: germline.
Comment: This sequence change replaces glycine, which is neutral and non-polar, with glutamic acid, which is acidic and polar, at codon 395 of the POLE protein (p.Gly395Glu). This variant is present in population databases (rs546499094, gnomAD 0.07%). This missense change has been observed in individual(s) with colorectal cancer (PMID: 32567205). ClinVar contains an entry for this variant (Variation ID: 246477). Invitae Evidence Modeling of protein sequence and biophysical properties (such as structural, functional, and spatial information, amino acid conservation, physicochemical variation, residue mobility, and thermodynamic stability) indicates that this missense variant is not expected to disrupt POLE protein function with a negative predictive value of 80%. In summary, the available evidence is currently insufficient to determine the role of this variant in disease. Therefore, it has been classified as a Variant of Uncertain Significance.

Baylor Genetics
Classification: Uncertain significance for Colorectal cancer, susceptibility to, 12. Last evaluated: 2024-01-16. Review status: criteria provided, single submitter. Criteria: ACMG Guidelines, 2015. Collection method: clinical testing. Allele origin: unknown.

GeneDx
Classification: Uncertain significance. Last evaluated: 2023-04-24. Review status: criteria provided, single submitter. Criteria: GeneDx Variant Classification Process June 2021. Collection method: clinical testing. Allele origin: germline. Affected: yes.
Comment: In silico analysis supports that this missense variant has a deleterious effect on protein structure/function; Observed in individuals with colon cancer (Siraj et al., 2020); This variant is associated with the following publications: (PMID: 20951805, 32567205, 36479248)

Revvity Omics, Revvity
Classification: Uncertain significance. Last evaluated: 2022-03-16. Review status: criteria provided, single submitter. Criteria: ACMG Guidelines, 2015. Collection method: clinical testing. Allele origin: germline.

Literature cited by the submitters: PubMed 32567205 (cited by 3 submitters); PubMed 35534704 (cited by Quest Diagnostics Nichols Institute San Juan Capistrano).

NM_006231.4(POLE):c.1184G>A (p.Gly395Glu)

Gene: POLE (DNA polymerase epsilon, catalytic subunit; minus strand). Cytogenetic location: 12q24.33.
Variant type: single nucleotide variant.
Coding change: c.1184G>A on transcript NM_006231.4 (MANE Select); coding-DNA position 1184, G replaced by A.
Protein change: p.Gly395Glu; replaces glycine 395 with glutamic acid.
Molecular consequence: missense variant.
Genome position (GRCh38, 1-based): chr12:132,675,440, C>T on the plus strand (G>A on the coding strand, the complement: POLE is on the minus strand). VCF-style: chr12-132675440-C-T. GRCh37 (hg19) VCF-style: chr12-133252026-C-T.
Other names: short protein forms G395E.
Identifiers: ClinVar variation 246477 (VCV000246477.30), dbSNP rs546499094, ClinGen allele CA6894052.